The following is an entry in ClinVar:

NM_007294.4(BRCA1):c.2129C>T (p.Thr710Ile)

Gene: BRCA1 (BRCA1 DNA repair associated; minus strand). Cytogenetic location: 17q21.31.
Variant type: single nucleotide variant.
Coding change: c.2129C>T on transcript NM_007294.4 (MANE Select); coding-DNA position 2129, C replaced by T.
Protein change: p.Thr710Ile; replaces threonine 710 with isoleucine.
Molecular consequence: missense variant. On other transcripts: intron variant (137).
Genome position (GRCh38, 1-based): chr17:43,093,402, G>A on the plus strand (C>T on the coding strand, the complement: BRCA1 is on the minus strand). VCF-style: chr17-43093402-G-A. GRCh37 (hg19) VCF-style: chr17-41245419-G-A.
Other names: c.1916C>T, p.Thr639Ile (NM_001407571.1, NM_001407853.1, NM_001407894.1 and 9 more transcripts); c.2129C>T, p.Thr710Ile (NM_001407581.1, NM_001407582.1, NM_001407583.1 and 30 more transcripts); c.2126C>T, p.Thr709Ile (NM_001407587.1, NM_001407590.1, NM_001407591.1 and 22 more transcripts); c.2120C>T, p.Thr707Ile (NM_001407646.1, NM_001407647.1); c.2006C>T, p.Thr669Ile (NM_001407648.1, NM_001407664.1, NM_001407665.1 and 19 more transcripts); c.2003C>T, p.Thr668Ile (NM_001407649.1, NM_001407670.1, NM_001407671.1 and 11 more transcripts); c.2051C>T, p.Thr684Ile (NM_001407653.1, NM_001407654.1, NM_001407655.1 and 4 more transcripts); c.2048C>T, p.Thr683Ile (NM_001407659.1, NM_001407660.1, NM_001407661.1 and 1 more transcripts); and 41 more; short protein forms T663I, T710I, T583I, T598I, T621I, T684I, T414I, T642I.
Identifiers: ClinVar variation 1308175 (VCV001308175.14), dbSNP rs2053820830, ClinGen allele CA10597745.

ClinVar aggregate classification (germline): Conflicting classifications of pathogenicity. Review status: criteria provided, conflicting classifications (1 of 4 stars). 4 submissions from 4 submitters: Uncertain significance (3); Likely benign (1). Last evaluated 2025-10-05.

Conditions:
Hereditary cancer-predisposing syndrome. Also called: Tumor predisposition; Neoplastic Syndromes, Hereditary; Hereditary Cancer Syndrome; Hereditary neoplastic syndrome. Identifiers: Orphanet 140162, MedGen C0027672, MeSH D009386, MONDO:0015356.
Hereditary breast ovarian cancer syndrome. Also called: Hereditary breast and ovarian cancer; Breast and ovarian cancer; Hereditary breast and ovarian cancer syndrome (HBOC); Hereditary breast and ovarian cancer syndrome; BRCA1- and BRCA2-Associated Hereditary Breast and Ovarian Cancer; Hereditary breast and/or ovarian cancer syndrome. Identifiers: Orphanet 145, MedGen C0677776, MeSH D061325, MONDO:0003582. Disease mechanism: loss of function.

Submissions (4):

Labcorp Genetics (formerly Invitae), Labcorp
Classification: Uncertain significance for Hereditary breast ovarian cancer syndrome. Last evaluated: 2025-10-05. Review status: criteria provided, single submitter. Criteria: Invitae Variant Classification Sherloc (09022015). Collection method: clinical testing. Allele origin: germline.
Comment: This sequence change replaces threonine, which is neutral and polar, with isoleucine, which is neutral and non-polar, at codon 710 of the BRCA1 protein (p.Thr710Ile). This variant is not present in population databases (gnomAD no frequency). This variant has not been reported in the literature in individuals affected with BRCA1-related conditions. ClinVar contains an entry for this variant (Variation ID: 1308175). Invitae Evidence Modeling of protein sequence and biophysical properties (such as structural, functional, and spatial information, amino acid conservation, physicochemical variation, residue mobility, and thermodynamic stability) indicates that this missense variant is expected to disrupt BRCA1 protein function with a positive predictive value of 80%. In summary, the available evidence is currently insufficient to determine the role of this variant in disease. Therefore, it has been classified as a Variant of Uncertain Significance.

Ambry Genetics
Classification: Uncertain significance for Hereditary cancer-predisposing syndrome. Last evaluated: 2023-07-24. Review status: criteria provided, single submitter. Criteria: Ambry Variant Classification Scheme 2023. Collection method: clinical testing. Allele origin: germline.
Comment: The p.T710I variant (also known as c.2129C>T), located in coding exon 9 of the BRCA1 gene, results from a C to T substitution at nucleotide position 2129. The threonine at codon 710 is replaced by isoleucine, an amino acid with similar properties. This amino acid position is well conserved in available vertebrate species. In addition, the in silico prediction for this alteration is inconclusive. Since supporting evidence is limited at this time, the clinical significance of this alteration remains unclear.

University of Washington Department of Laboratory Medicine, University of Washington
Classification: Likely benign for Hereditary cancer-predisposing syndrome. Last evaluated: 2023-03-23. Review status: criteria provided, single submitter. Criteria: Dines et al. (Genet Med. 2020). Collection method: curation. Allele origin: germline.
Comment: Missense variant in a coldspot region where missense variants are very unlikely to be pathogenic (PMID:31911673).

BRCA1 coldspot (exon 11 using historical exon numbering). Reclassification based on statistical prior probability

GeneDx
Classification: Uncertain significance. Last evaluated: 2019-08-20. Review status: criteria provided, single submitter. Criteria: GeneDx Variant Classification Process June 2021. Collection method: clinical testing. Allele origin: germline. Affected: yes.
Comment: Not observed in large population cohorts (Lek 2016); In silico analysis, which includes protein predictors and evolutionary conservation, supports a deleterious effect; Has not been previously published as pathogenic or benign to our knowledge; Also known as 2248C>T